The following is an entry in ClinVar:

NM_007215.4(POLG2):c.649C>T (p.Pro217Ser)

Genes: POLG2 (DNA polymerase gamma 2, accessory subunit; minus strand), MILR1 (mast cell immunoglobulin like receptor 1; plus strand). Cytogenetic location: 17q23.3.
Variant type: single nucleotide variant.
Coding change: c.649C>T on transcript NM_007215.4 (MANE Select); coding-DNA position 649, C replaced by T.
Protein change: p.Pro217Ser; replaces proline 217 with serine.
Molecular consequence: missense variant.
Genome position (GRCh38, 1-based): chr17:64,492,935, G>A on the plus strand (C>T on the coding strand, the complement: POLG2 is on the minus strand). VCF-style: chr17-64492935-G-A. GRCh37 (hg19) VCF-style: chr17-62489052-G-A.
Other names: short protein forms P217S.
Identifiers: ClinVar variation 2954666 (VCV002954666.3), dbSNP rs782260183, ClinGen allele CA8712961.

ClinVar aggregate classification (germline): Uncertain significance (1 of 4 stars; one submission).

Allele frequency attached by ClinVar (database versions not stated): gnomAD 0.00001; ExAC 0.00002; TOPMed 0.00003.
gnomAD v4.1: 11 of 1,613,856 alleles (0.00068%); highest among the groups gnomAD compares: Non-Finnish European, 0.00093%; no homozygotes.

Submission:

Labcorp Genetics (formerly Invitae), Labcorp
Classification: Uncertain significance. Last evaluated: 2024-10-30. Review status: criteria provided, single submitter. Criteria: Invitae Variant Classification Sherloc (09022015). Collection method: clinical testing. Allele origin: germline.
Comment: This sequence change replaces proline, which is neutral and non-polar, with serine, which is neutral and polar, at codon 217 of the POLG2 protein (p.Pro217Ser). This variant is present in population databases (rs782260183, gnomAD 0.004%). This variant has not been reported in the literature in individuals affected with POLG2-related conditions. ClinVar contains an entry for this variant (Variation ID: 2954666). An algorithm developed to predict the effect of missense changes on protein structure and function (PolyPhen-2) suggests that this variant is likely to be tolerated. In summary, the available evidence is currently insufficient to determine the role of this variant in disease. Therefore, it has been classified as a Variant of Uncertain Significance.